The following is an entry in ClinVar:

NM_012330.4(KAT6B):c.4271A>G (p.His1424Arg)

Gene: KAT6B (lysine acetyltransferase 6B; plus strand). Cytogenetic location: 10q22.2.
Variant type: single nucleotide variant.
Coding change: c.4271A>G on transcript NM_012330.4 (MANE Select); coding-DNA position 4271, A replaced by G.
Protein change: p.His1424Arg; replaces histidine 1424 with arginine.
Molecular consequence: missense variant.
Genome position (GRCh38, 1-based): chr10:75,029,095, A>G. VCF-style: chr10-75029095-A-G. GRCh37 (hg19) VCF-style: chr10-76788853-A-G.
Other names: c.3722A>G, p.His1241Arg (NM_001256468.2, NM_001370138.1); c.3395A>G, p.His1132Arg (NM_001256469.2, NM_001370139.1, NM_001370140.1 and 2 more transcripts); c.3233A>G, p.His1078Arg (NM_001370132.1); c.2582A>G, p.His861Arg (NM_001370133.1); c.2186A>G, p.His729Arg (NM_001370134.1); c.1928A>G, p.His643Arg (NM_001370135.1); c.4271A>G, p.His1424Arg (NM_001370136.1, NM_001370137.1); c.3206A>G, p.His1069Arg (NM_001370143.1, NM_001370144.1); and 1 more; short protein forms H1241R, H1424R, H1132R, H1078R, H1069R, H643R, H729R, H861R.
Identifiers: ClinVar variation 1422884 (VCV001422884.10), dbSNP rs529353814, ClinGen allele CA5565008.
Genomic context (GRCh38, chr10:75,029,095, plus strand): 5'-GTTTGGATGATCACGAAGAGGAGGAGGAAGAGGATGAAGAGCCATCCCACAACGAGGACC[A>G]TGATGCCGATGACGAGGATGACAGCCACATGGAGTCTGCCGAAGTGGAGAAGGAAGAGCT-3'
Protein context (NP_036462.2, residues 1414-1434): EDEEPSHNED[His1424Arg]DADDEDDSHM

ClinVar aggregate classification (germline): Conflicting classifications of pathogenicity. Review status: criteria provided, conflicting classifications (1 of 4 stars). 2 submissions from 2 submitters: Uncertain significance (1); Likely benign (1). Last evaluated 2023-11-10.

Conditions:
Genitopatellar syndrome (GTPTS). Also called: Genitopatellar syndrome (GPS); ABSENT PATELLAE, SCROTAL HYPOPLASIA, RENAL ANOMALIES, FACIAL DYSMORPHISM, AND MENTAL RETARDATION. Identifiers: Orphanet 85201, MedGen C1853566, MONDO:0011640, OMIM 606170.
Inborn genetic diseases. Identifiers: MedGen C0950123, MeSH D030342.

Allele frequency attached by ClinVar (database versions not stated): ExAC 0.00001; gnomAD 0.00001; gnomAD exomes 0.00002 and below 0.00001; 1000 Genomes Project 0.00020; 1000 Genomes Project 30x 0.00031; TOPMed below 0.00001.
gnomAD v4.1: 10 of 1,614,212 alleles (0.00062%); highest among the groups gnomAD compares: East Asian, 0.0045%; no homozygotes.

Submissions (2):

Labcorp Genetics (formerly Invitae), Labcorp
Classification: Uncertain significance for Genitopatellar syndrome. Last evaluated: 2023-11-10. Review status: criteria provided, single submitter. Criteria: Invitae Variant Classification Sherloc (09022015). Collection method: clinical testing. Allele origin: germline.
Comment: This sequence change replaces histidine, which is basic and polar, with arginine, which is basic and polar, at codon 1424 of the KAT6B protein (p.His1424Arg). This variant is present in population databases (rs529353814, gnomAD 0.02%). This variant has not been reported in the literature in individuals affected with KAT6B-related conditions. ClinVar contains an entry for this variant (Variation ID: 1422884). Advanced modeling of protein sequence and biophysical properties (such as structural, functional, and spatial information, amino acid conservation, physicochemical variation, residue mobility, and thermodynamic stability) performed at Invitae indicates that this missense variant is not expected to disrupt KAT6B protein function with a negative predictive value of 80%. In summary, the available evidence is currently insufficient to determine the role of this variant in disease. Therefore, it has been classified as a Variant of Uncertain Significance.

Ambry Genetics
Classification: Likely benign for Inborn genetic diseases. Last evaluated: 2023-02-28. Review status: criteria provided, single submitter. Criteria: Ambry Variant Classification Scheme 2023. Collection method: clinical testing. Allele origin: germline.